The following is an entry in ClinVar:

NM_000059.4(BRCA2):c.5642A>T (p.Lys1881Ile)

Gene: BRCA2 (BRCA2 DNA repair associated; plus strand). Cytogenetic location: 13q13.1.
Variant type: single nucleotide variant.
Coding change: c.5642A>T on transcript NM_000059.4 (MANE Select); coding-DNA position 5642, A replaced by T.
Protein change: p.Lys1881Ile; replaces lysine 1881 with isoleucine.
Molecular consequence: missense variant. On other transcripts: non-coding transcript variant (1), intron variant (2).
Genome position (GRCh38, 1-based): chr13:32,339,997, A>T. VCF-style: chr13-32339997-A-T. GRCh37 (hg19) VCF-style: chr13-32914134-A-T.
Other names: K1881L; 5870A>T; c.5642A>T, p.Lys1881Ile (NM_001406719.1, NM_001406720.1); c.1910-4561A>T (NM_001406721.1); c.425-4561A>T (NM_001406722.1).
Identifiers: ClinVar variation 91420 (VCV000091420.4), dbSNP rs398122537, ClinGen allele CA022809.

ClinVar aggregate classification (germline): Uncertain significance. Review status: criteria provided, single submitter (1 of 4 stars). 2 submissions from 2 submitters: Uncertain significance (1). 1 of the submissions does not count toward it. Last evaluated 2023-06-20.

Conditions:
Hereditary cancer-predisposing syndrome. Also called: Tumor predisposition; Hereditary Cancer Syndrome; Neoplastic Syndromes, Hereditary; Hereditary neoplastic syndrome. Identifiers: Orphanet 140162, MedGen C0027672, MeSH D009386, MONDO:0015356.
Breast-ovarian cancer, familial, susceptibility to, 2 (BROVCA2). Also called: BRCA2 Hereditary Breast and Ovarian Cancer. Identifiers: Orphanet 145, MedGen C2675520, MONDO:0012933, OMIM 612555. Disease mechanism: loss of function.

Allele frequency attached by ClinVar (database versions not stated): ExAC 0.00001; gnomAD 0.00001; gnomAD exomes 0.00001.
gnomAD v4.1: 5 of 1,612,330 alleles (0.00031%); highest among the groups gnomAD compares: Non-Finnish European, 0.00042%; no homozygotes.

Submissions (2):

Ambry Genetics
Classification: Uncertain significance for Hereditary cancer-predisposing syndrome. Last evaluated: 2023-06-20. Review status: criteria provided, single submitter. Criteria: Ambry Variant Classification Scheme 2023. Collection method: clinical testing. Allele origin: germline.
Comment: The p.K1881I variant (also known as c.5642A>T), located in coding exon 10 of the BRCA2 gene, results from an A to T substitution at nucleotide position 5642. The lysine at codon 1881 is replaced by isoleucine, an amino acid with dissimilar properties. This amino acid position is not well conserved in available vertebrate species. In addition, the in silico prediction for this alteration is inconclusive. Since supporting evidence is limited at this time, the clinical significance of this alteration remains unclear.

Sharing Clinical Reports Project (SCRP)
Classification: Uncertain significance for Breast-ovarian cancer, familial 2. Last evaluated: 2011-12-08. Review status: no assertion criteria provided. Collection method: clinical testing. Allele origin: germline. Not counted in ClinVar's aggregate classification.